The following is an entry in ClinVar:

NM_015425.6(POLR1A):c.4654G>A (p.Val1552Ile)

Gene: POLR1A (RNA polymerase I subunit A; minus strand). Cytogenetic location: 2p11.2.
Variant type: single nucleotide variant.
Coding change: c.4654G>A on transcript NM_015425.6 (MANE Select); coding-DNA position 4654, G replaced by A.
Protein change: p.Val1552Ile; replaces valine 1552 with isoleucine.
Molecular consequence: missense variant.
Genome position (GRCh38, 1-based): chr2:86,030,321, C>T on the plus strand (G>A on the coding strand, the complement: POLR1A is on the minus strand). VCF-style: chr2-86030321-C-T. GRCh37 (hg19) VCF-style: chr2-86257444-C-T.
Other names: c.4654G>A (NM_015425.3); short protein forms V1552I.
Identifiers: ClinVar variation 1348660 (VCV001348660.9), dbSNP rs370258399, ClinGen allele CA1745436.
Genomic context (GRCh38, chr2:86,030,321, plus strand): 5'-TCTTATTGTTGGTTGTTTCATTCAGGAGGCACCGAGTGATGCCCTTGGTCGCATAGATGA[C>T]GGCACCATGGGCCAAAGATACTACCAGGGAGCTCATGTCAAAGTTGATCTTCATCAGAGG-3'
Protein context (NP_056240.2, residues 1542-1562): SLVVSLAHGA[Val1552Ile]IYATKGITRC

ClinVar aggregate classification (germline): Uncertain significance. Review status: criteria provided, multiple submitters, no conflicts (2 of 4 stars). 2 submissions from 2 submitters: Uncertain significance (2). Last evaluated 2026-01-25.

Conditions:
Inborn genetic diseases. Identifiers: MedGen C0950123, MeSH D030342.

Allele frequency attached by ClinVar (database versions not stated): ESP Exome Variant Server 0.00016.
gnomAD v4.1: 108 of 1,613,736 alleles (0.0067%); highest among the groups gnomAD compares: African/African-American, 0.036%; 1 homozygote.

Submissions (2):

Labcorp Genetics (formerly Invitae), Labcorp
Classification: Uncertain significance. Last evaluated: 2026-01-25. Review status: criteria provided, single submitter. Criteria: Invitae Variant Classification Sherloc (09022015). Collection method: clinical testing. Allele origin: germline.
Comment: This sequence change replaces valine, which is neutral and non-polar, with isoleucine, which is neutral and non-polar, at codon 1552 of the POLR1A protein (p.Val1552Ile). This variant is present in population databases (rs370258399, gnomAD 0.05%). This variant has not been reported in the literature in individuals affected with POLR1A-related conditions. ClinVar contains an entry for this variant (Variation ID: 1348660). Invitae Evidence Modeling of protein sequence and biophysical properties (such as structural, functional, and spatial information, amino acid conservation, physicochemical variation, residue mobility, and thermodynamic stability) indicates that this missense variant is not expected to disrupt POLR1A protein function with a negative predictive value of 80%. In summary, the available evidence is currently insufficient to determine the role of this variant in disease. Therefore, it has been classified as a Variant of Uncertain Significance.

Ambry Genetics
Classification: Uncertain significance for Inborn genetic diseases. Last evaluated: 2024-08-19. Review status: criteria provided, single submitter. Criteria: Ambry Variant Classification Scheme 2023. Collection method: clinical testing. Allele origin: germline.